The following is an entry in ClinVar:

ClinVar aggregate classification (germline): Pathogenic/Likely pathogenic. Review status: criteria provided, multiple submitters, no conflicts (2 of 4 stars). 2 submissions from 2 submitters: Pathogenic (1); Likely pathogenic (1). Last evaluated 2024-05-13.

Conditions:
Mucopolysaccharidosis, MPS-III-C (MPS3C). Also called: MPS IIIC (Sanfilippo Syndrome Type C); MPS III C; MUCOPOLYSACCHARIDOSIS, TYPE IIIC; SANFILIPPO SYNDROME C; Mucopolysaccharidosis type IIIC (Sanfilippo C); mucopolysaccharidosis type 3C. Identifiers: Orphanet 581, Orphanet 79271, MedGen C0086649, MONDO:0009657, OMIM 252930.
Retinitis pigmentosa 73 (RP73). Identifiers: Orphanet 791, MedGen C4225287, MONDO:0014687, OMIM 616544.

Submissions (2):

Fulgent Genetics
Classification: Likely pathogenic for Mucopolysaccharidosis, MPS-III-C; Retinitis pigmentosa 73. Last evaluated: 2024-05-13. Review status: criteria provided, single submitter. Criteria: ACMG Guidelines, 2015. Collection method: clinical testing. Allele origin: germline.

Labcorp Genetics (formerly Invitae), Labcorp
Classification: Pathogenic for Retinitis pigmentosa 73; Mucopolysaccharidosis, MPS-III-C. Last evaluated: 2023-09-29. Review status: criteria provided, single submitter. Criteria: Invitae Variant Classification Sherloc (09022015). Collection method: clinical testing. Allele origin: germline.
Comment: This sequence change creates a premature translational stop signal (p.Leu55*) in the HGSNAT gene. It is expected to result in an absent or disrupted protein product. Loss-of-function variants in HGSNAT are known to be pathogenic (PMID: 17033958, 19479962). This variant is not present in population databases (gnomAD no frequency). This premature translational stop signal has been observed in individual(s) with mucopolysaccharidosis type IIIC (PMID: 31228227). ClinVar contains an entry for this variant (Variation ID: 651853). For these reasons, this variant has been classified as Pathogenic.

Literature cited by the submitters: PubMed 17033958 (cited by Labcorp Genetics (formerly Invitae), Labcorp); PubMed 19479962 (cited by Labcorp Genetics (formerly Invitae), Labcorp); PubMed 31228227 (cited by Labcorp Genetics (formerly Invitae), Labcorp).

NM_152419.3(HGSNAT):c.164T>A (p.Leu55Ter)

Gene: HGSNAT (heparan-alpha-glucosaminide N-acetyltransferase; plus strand). Cytogenetic location: 8p11.21.
Variant type: single nucleotide variant.
Coding change: c.164T>A on transcript NM_152419.3 (MANE Select); coding-DNA position 164, T replaced by A.
Protein change: p.Leu55Ter; replaces leucine 55 with a stop codon.
Molecular consequence: nonsense. On other transcripts: 5 prime UTR variant (1).
Genome position (GRCh38, 1-based): chr8:43,146,993, T>A. VCF-style: chr8-43146993-T-A. GRCh37 (hg19) VCF-style: chr8-43002136-T-A.
Other names: c.164T>A, p.Leu55Ter (NM_001363227.2, NM_001363228.2); c.-670T>A (NM_001363229.2); short protein forms L55*.
Identifiers: ClinVar variation 651853 (VCV000651853.6), dbSNP rs1586698317, ClinGen allele CA371124835.